The following is an entry in ClinVar:

ClinVar aggregate classification (germline): Conflicting classifications of pathogenicity. Review status: criteria provided, conflicting classifications (1 of 4 stars). 3 submissions from 3 submitters: Uncertain significance (2); Likely benign (1). Last evaluated 2024-11-27.

Conditions:
Inborn genetic diseases. Identifiers: MedGen C0950123, MeSH D030342.

Allele frequency attached by ClinVar (database versions not stated): ExAC 0.00002; gnomAD 0.00002; TOPMed 0.00002; gnomAD exomes 0.00005.
gnomAD v4.1: 71 of 1,613,876 alleles (0.0044%); highest among the groups gnomAD compares: Non-Finnish European, 0.0057%; no homozygotes.

Submissions (3):

Labcorp Genetics (formerly Invitae), Labcorp
Classification: Uncertain significance. Last evaluated: 2024-11-27. Review status: criteria provided, single submitter. Criteria: Invitae Variant Classification Sherloc (09022015). Collection method: clinical testing. Allele origin: germline.
Comment: This sequence change replaces valine, which is neutral and non-polar, with isoleucine, which is neutral and non-polar, at codon 1038 of the MYO18B protein (p.Val1038Ile). This variant is present in population databases (rs753757421, gnomAD 0.003%). This variant has not been reported in the literature in individuals affected with MYO18B-related conditions. ClinVar contains an entry for this variant (Variation ID: 1938294). An algorithm developed to predict the effect of missense changes on protein structure and function outputs the following: PolyPhen-2: "Benign". The isoleucine amino acid residue is found in multiple mammalian species, which suggests that this missense change does not adversely affect protein function. In summary, the available evidence is currently insufficient to determine the role of this variant in disease. Therefore, it has been classified as a Variant of Uncertain Significance.

Ambry Genetics
Classification: Uncertain significance for Inborn genetic diseases. Last evaluated: 2024-06-16. Review status: criteria provided, single submitter. Criteria: Ambry Variant Classification Scheme 2023. Collection method: clinical testing. Allele origin: germline.

Blueprint Genetics
Classification: Likely benign. Last evaluated: 2023-05-23. Review status: criteria provided, single submitter. Criteria: ACMG Guidelines, 2015. Collection method: clinical testing. Allele origin: germline.

NM_032608.7(MYO18B):c.3112G>A (p.Val1038Ile)

Gene: MYO18B (myosin XVIIIB; plus strand). Cytogenetic location: 22q12.1.
Variant type: single nucleotide variant.
Coding change: c.3112G>A on transcript NM_032608.7 (MANE Select); coding-DNA position 3112, G replaced by A.
Protein change: p.Val1038Ile; replaces valine 1038 with isoleucine.
Molecular consequence: missense variant.
Genome position (GRCh38, 1-based): chr22:25,835,347, G>A. VCF-style: chr22-25835347-G-A. GRCh37 (hg19) VCF-style: chr22-26231314-G-A.
Other names: c.3112G>A (NM_032608.5); c.3115G>A, p.Val1039Ile (NM_001318245.2); short protein forms V1038I, V1039I.
Identifiers: ClinVar variation 1938294 (VCV001938294.6), dbSNP rs753757421, ClinGen allele CA10160452.